The following is an entry in ClinVar:

NM_000875.5(IGF1R):c.*5436C>T

Gene: IGF1R (insulin like growth factor 1 receptor; plus strand). Cytogenetic location: 15q26.3.
Variant type: single nucleotide variant.
Coding change: c.*5436C>T on transcript NM_000875.5 (MANE Select); 5436 bases downstream of the stop codon, C replaced by T.
Molecular consequence: 3 prime UTR variant.
Genome position (GRCh38, 1-based): chr15:98,962,878, C>T. VCF-style: chr15-98962878-C-T. GRCh37 (hg19) VCF-style: chr15-99506107-C-T.
Other names: c.*5436C>T (NM_001291858.2).
Identifiers: ClinVar variation 317604 (VCV000317604.6), dbSNP rs111563582, ClinGen allele CA10647598.

ClinVar aggregate classification (germline): Benign. Review status: criteria provided, multiple submitters, no conflicts (2 of 4 stars). 2 submissions from 2 submitters: Benign (2). Last evaluated 2018-01-13.

Conditions:
Growth delay due to insulin-like growth factor I resistance. Also called: Somatomedin end-organ insensitivity to; Somatomedin-c resistance to; IGF-1 resistance; IGF-I RESISTANCE; Insulin-Like Growth Factor I Resistance. Identifiers: Orphanet 73273, MedGen C1849157, MONDO:0010038, OMIM 270450.

Allele frequency attached by ClinVar (database versions not stated): 1000 Genomes Project 30x 0.01062; 1000 Genomes Project 0.01098; TOPMed 0.02081; gnomAD 0.02276 and 0.02355; gnomAD exomes 0.02573.
gnomAD v4.1: 5,536 of 233,698 alleles (2.4%); highest among the groups gnomAD compares: Non-Finnish European, 3.6%; 94 homozygotes.

Submissions (2):

Illumina Laboratory Services, Illumina
Classification: Benign for Growth delay due to insulin-like growth factor I resistance. Last evaluated: 2018-01-13. Review status: criteria provided, single submitter. Criteria: ICSL Variant Classification Criteria 13 December 2019. Collection method: clinical testing. Allele origin: germline.
Comment: This variant was observed in the ICSL laboratory as part of a predisposition screen in an ostensibly healthy population. It had not been previously curated by ICSL or reported in the Human Gene Mutation Database (HGMD: prior to June 1st, 2018), and was therefore a candidate for classification through an automated scoring system. Utilizing variant allele frequency, disease prevalence and penetrance estimates, and inheritance mode, an automated score was calculated to assess if this variant is too frequent to cause the disease. Based on the score and internal cut-off values, a variant classified as benign is not then subjected to further curation. The score for this variant resulted in a classification of benign for this disease.

Breakthrough Genomics
Classification: Benign. Review status: criteria provided, single submitter. Criteria: ACMG Guidelines, 2015. Collection method: not provided. Allele origin: germline. Inheritance: Autosomal dominant inheritance. Affected: yes.